The following is an entry in ClinVar:

NM_023036.6(DNAI2):c.1363C>T (p.Leu455Phe)

Gene: DNAI2 (dynein axonemal intermediate chain 2; plus strand). Cytogenetic location: 17q25.1.
Variant type: single nucleotide variant.
Coding change: c.1363C>T on transcript NM_023036.6 (MANE Select); coding-DNA position 1363, C replaced by T.
Protein change: p.Leu455Phe; replaces leucine 455 with phenylalanine.
Molecular consequence: missense variant. On other transcripts: non-coding transcript variant (1), intron variant (1).
Genome position (GRCh38, 1-based): chr17:74,310,032, C>T. VCF-style: chr17-74310032-C-T. GRCh37 (hg19) VCF-style: chr17-72306171-C-T.
Other names: c.1363C>T, p.Leu455Phe (NM_001353167.2); c.1348-21C>T (NM_001172810.3); short protein forms L455F.
Identifiers: ClinVar variation 4752147 (VCV004752147.1).

ClinVar aggregate classification (germline): Uncertain significance (1 of 4 stars; one submission).

Conditions:
Primary ciliary dyskinesia. Also called: Ciliary dyskinesia. Identifiers: Orphanet 244, MedGen C0008780, MONDO:0016575, HP:0012265.

gnomAD v4.1: 4 of 1,613,926 alleles (0.00025%); highest among the groups gnomAD compares: Non-Finnish European, 0.00034%; no homozygotes.

Submission:

Labcorp Genetics (formerly Invitae), Labcorp
Classification: Uncertain significance for Primary ciliary dyskinesia. Last evaluated: 2025-12-19. Review status: criteria provided, single submitter. Criteria: Invitae Variant Classification Sherloc (09022015). Collection method: clinical testing. Allele origin: germline.
Comment: This sequence change replaces leucine, which is neutral and non-polar, with phenylalanine, which is neutral and non-polar, at codon 455 of the DNAI2 protein (p.Leu455Phe). This variant is not present in population databases (gnomAD no frequency). This variant has not been reported in the literature in individuals affected with DNAI2-related conditions. Invitae Evidence Modeling of protein sequence and biophysical properties (such as structural, functional, and spatial information, amino acid conservation, physicochemical variation, residue mobility, and thermodynamic stability) indicates that this missense variant is expected to disrupt DNAI2 protein function with a positive predictive value of 95%. In summary, the available evidence is currently insufficient to determine the role of this variant in disease. Therefore, it has been classified as a Variant of Uncertain Significance.